The following is an entry in ClinVar:

ClinVar aggregate classification (germline): Conflicting classifications of pathogenicity. Review status: criteria provided, conflicting classifications (1 of 4 stars). 4 submissions from 4 submitters: Uncertain significance (2); Likely benign (1). 1 of the submissions does not count toward it. Last evaluated 2026-02-01.

Conditions:
NOTCH2-related disorder. Also called: NOTCH2-related condition.
Hajdu-Cheney syndrome (HJCYS). Also called: ACROOSTEOLYSIS WITH OSTEOPOROSIS AND CHANGES IN SKULL AND MANDIBLE; Acroosteolysis dominant type; SERPENTINE FIBULA-POLYCYSTIC KIDNEY SYNDROME. Identifiers: Orphanet 955, MedGen C0917715, MONDO:0007057, OMIM 102500.

Allele frequency attached by ClinVar (database versions not stated): gnomAD 0.00003 and 0.00005; TOPMed 0.00004; ExAC 0.00005; 1000 Genomes Project 30x 0.00016; 1000 Genomes Project 0.00020.
gnomAD v4.1: 79 of 1,608,192 alleles (0.0049%); highest among the groups gnomAD compares: Middle Eastern, 0.033%; 1 homozygote.

Submissions (4):

Labcorp Genetics (formerly Invitae), Labcorp
Classification: Uncertain significance for Hajdu-Cheney syndrome. Last evaluated: 2026-02-01. Review status: criteria provided, single submitter. Criteria: Invitae Variant Classification Sherloc (09022015). Collection method: clinical testing. Allele origin: germline.
Comment: This sequence change replaces alanine, which is neutral and non-polar, with valine, which is neutral and non-polar, at codon 2319 of the NOTCH2 protein (p.Ala2319Val). This variant is present in population databases (rs373527990, gnomAD 0.007%). This variant has not been reported in the literature in individuals affected with NOTCH2-related conditions. ClinVar contains an entry for this variant (Variation ID: 196925). Invitae Evidence Modeling of protein sequence and biophysical properties (such as structural, functional, and spatial information, amino acid conservation, physicochemical variation, residue mobility, and thermodynamic stability) indicates that this missense variant is not expected to disrupt NOTCH2 protein function with a negative predictive value of 80%. In summary, the available evidence is currently insufficient to determine the role of this variant in disease. Therefore, it has been classified as a Variant of Uncertain Significance.

Blueprint Genetics
Classification: Likely benign. Last evaluated: 2024-11-25. Review status: criteria provided, single submitter. Criteria: ACMG Guidelines, 2015. Collection method: clinical testing. Allele origin: germline.

Eurofins Ntd Llc (ga)
Classification: Uncertain significance. Last evaluated: 2015-01-21. Review status: criteria provided, single submitter. Criteria: EGL Classification Definitions 2015. Collection method: clinical testing. Allele origin: germline. Observed: 1 variant allele, 1 heterozygote.

PreventionGenetics, part of Exact Sciences
Classification: Uncertain significance for NOTCH2-related condition. Last evaluated: 2024-03-13. Review status: no assertion criteria provided. Collection method: clinical testing. Allele origin: germline. Not counted in ClinVar's aggregate classification.
Comment: The NOTCH2 c.6956C>T variant is predicted to result in the amino acid substitution p.Ala2319Val. To our knowledge, this variant has not been reported in the literature. This variant is reported in 0.0072% of alleles in individuals of European (Non-Finnish) descent in gnomAD. At this time, the clinical significance of this variant is uncertain due to the absence of conclusive functional and genetic evidence.

NM_024408.4(NOTCH2):c.6956C>T (p.Ala2319Val)

Gene: NOTCH2 (notch receptor 2; minus strand). Cytogenetic location: 1p12.
Variant type: single nucleotide variant.
Coding change: c.6956C>T on transcript NM_024408.4 (MANE Select); coding-DNA position 6956, C replaced by T.
Protein change: p.Ala2319Val; replaces alanine 2319 with valine.
Molecular consequence: missense variant.
Genome position (GRCh38, 1-based): chr1:119,915,766, G>A on the plus strand (C>T on the coding strand, the complement: NOTCH2 is on the minus strand). VCF-style: chr1-119915766-G-A. GRCh37 (hg19) VCF-style: chr1-120458389-G-A.
Other names: short protein forms A2319V.
Identifiers: ClinVar variation 196925 (VCV000196925.17), dbSNP rs373527990, ClinGen allele CA244743.
Genomic context (GRCh38, chr1:119,915,766, plus strand): 5'-ATGGTGGGCAGGGGGCCCGCAACAGCTGGAGGGCAGGTGGACTGAGGCTGGGGAGCCCCC[G>A]CTGGTTGGGCAATACTGCCTTTAGGGATGAGCTGGAAAGTCACAATGGGGGGCAAGGGCT-3'
Protein context (NP_077719.2, residues 2309-2329): LIPKGSIAQP[Ala2319Val]GAPQPQSTCP